The following is an entry in ClinVar:

NM_201384.3(PLEC):c.9333G>A (p.Gly3111=)

Gene: PLEC (plectin; minus strand). Cytogenetic location: 8q24.3.
Variant type: single nucleotide variant.
Coding change: c.9333G>A on transcript NM_201384.3 (MANE Select); coding-DNA position 9333, G replaced by A.
Protein change: p.Gly3111=; no amino-acid change (glycine 3111 retained).
Molecular consequence: synonymous variant.
Genome position (GRCh38, 1-based): chr8:143,920,488, C>T on the plus strand (G>A on the coding strand, the complement: PLEC is on the minus strand). VCF-style: chr8-143920488-C-T. GRCh37 (hg19) VCF-style: chr8-144994656-C-T.
Other names: p.Gly3138=; c.9414G>A, p.Gly3138= (NM_000445.5); c.9291G>A, p.Gly3097= (NM_201378.4); c.9267G>A, p.Gly3089= (NM_201379.3); c.9744G>A, p.Gly3248= (NM_201380.4); c.9237G>A, p.Gly3079= (NM_201381.3); c.9333G>A, p.Gly3111= (NM_201382.4); c.9345G>A, p.Gly3115= (NM_201383.3).
Identifiers: ClinVar variation 196823 (VCV000196823.33), dbSNP rs188739870, ClinGen allele CA244307.

ClinVar aggregate classification (germline): Conflicting classifications of pathogenicity. Review status: criteria provided, conflicting classifications (1 of 4 stars). 10 submissions from 10 submitters: Uncertain significance (1); Benign (2); Likely benign (4). 3 of the submissions do not count toward it. Last evaluated 2026-01-22.

Conditions:
Epidermolysis bullosa simplex with nail dystrophy (EBS5D). Identifiers: MedGen C4225309, MONDO:0014661, OMIM 616487.
Epidermolysis bullosa simplex 5B, with muscular dystrophy (EBS5B). Also called: Epidermolysis bullosa simplex with muscular dystrophy; EPIDERMOLYSIS BULLOSA SIMPLEX AND LIMB-GIRDLE MUSCULAR DYSTROPHY. Identifiers: Orphanet 257, MedGen C2931072, MONDO:0009181, OMIM 226670.
Autosomal recessive limb-girdle muscular dystrophy type 2Q (LGMDR17). Also called: MUSCULAR DYSTROPHY, LIMB-GIRDLE, AUTOSOMAL RECESSIVE 17. Identifiers: Orphanet 254361, MedGen C3150989, MONDO:0013390, OMIM 613723.
Epidermolysis bullosa simplex 5C, with pyloric atresia (EBS5C). Also called: PLEC1-Related Epidermolysis Bullosa with Pyloric Atresia; PLEC-Related Epidermolysis Bullosa with Pyloric Atresia; Epidermolysis bullosa simplex with pyloric atresia. Identifiers: Orphanet 158684, MedGen C2677349, MONDO:0012807, OMIM 612138.
Epidermolysis bullosa simplex, Ogna type (EBS5A). Also called: EPIDERMOLYSIS BULLOSA SIMPLEX 5A, OGNA TYPE; Pidermolysis bullosa simplex 5A, Ogna type. Identifiers: Orphanet 79401, MedGen C0432317, MONDO:0007555, OMIM 131950.

Allele frequency attached by ClinVar (database versions not stated): ESP Exome Variant Server 0.00049; TOPMed 0.00116; gnomAD 0.00120 and 0.00133; gnomAD exomes 0.00208; 1000 Genomes Project 0.00240; ExAC 0.00248; 1000 Genomes Project 30x 0.00265.
gnomAD v4.1: 3,159 of 1,608,406 alleles (0.2%); highest among the groups gnomAD compares: South Asian, 0.48%; 4 homozygotes.

Submissions (10):

Labcorp Genetics (formerly Invitae), Labcorp
Classification: Benign for Autosomal recessive limb-girdle muscular dystrophy type 2Q; Epidermolysis bullosa simplex, Ogna type; Epidermolysis bullosa simplex with nail dystrophy; Epidermolysis bullosa simplex 5C, with pyloric atresia; Epidermolysis bullosa simplex 5B, with muscular dystrophy. Last evaluated: 2026-01-22. Review status: criteria provided, single submitter. Criteria: Invitae Variant Classification Sherloc (09022015). Collection method: clinical testing. Allele origin: germline.

Mayo Clinic Laboratories, Mayo Clinic
Classification: Likely benign. Last evaluated: 2025-07-23. Review status: criteria provided, single submitter. Criteria: ACMG Guidelines, 2015. Collection method: clinical testing. Allele origin: germline. Observed: 2 variant alleles.
Comment: BS1, BP4, BP7

Blueprint Genetics
Classification: Likely benign. Last evaluated: 2024-10-31. Review status: criteria provided, single submitter. Criteria: ACMG Guidelines, 2015. Collection method: clinical testing. Allele origin: germline.

Athena Diagnostics
Classification: Benign. Last evaluated: 2024-02-20. Review status: criteria provided, single submitter. Criteria: Athena Diagnostics Criteria. Collection method: clinical testing. Allele origin: unknown.

GeneDx
Classification: Likely benign. Last evaluated: 2021-06-08. Review status: criteria provided, single submitter. Criteria: GeneDx Variant Classification Process June 2021. Collection method: clinical testing. Allele origin: germline. Affected: yes.

Eurofins Ntd Llc (ga)
Classification: Likely benign. Last evaluated: 2017-04-05. Review status: criteria provided, single submitter. Criteria: EGL Classification Definitions 2015. Collection method: clinical testing. Allele origin: germline. Observed: 6 variant alleles, 6 heterozygotes.

CeGaT Center for Human Genetics Tuebingen
Classification: Uncertain significance. Last evaluated: 2017-03-31. Review status: criteria provided, single submitter. Criteria: Praxis fuer Humangenetik Tuebingen - Variant Classification Criteria. Collection method: clinical testing. Allele origin: germline. Affected: yes. Observed: 2 variant alleles.

Clinical Genetics DNA and cytogenetics Diagnostics Lab, Erasmus MC, Erasmus Medical Center
Classification: Likely benign. Review status: no assertion criteria provided. Collection method: clinical testing. Allele origin: germline. Affected: yes. Study: VKGL Data-share Consensus. Not counted in ClinVar's aggregate classification.

Diagnostic Laboratory, Department of Genetics, University Medical Center Groningen
Classification: Likely benign. Review status: no assertion criteria provided. Collection method: clinical testing. Allele origin: germline. Affected: yes. Study: VKGL Data-share Consensus. Not counted in ClinVar's aggregate classification.

Genome Diagnostics Laboratory, University Medical Center Utrecht
Classification: Likely benign. Review status: no assertion criteria provided. Collection method: clinical testing. Allele origin: germline. Affected: yes. Study: VKGL Data-share Consensus. Not counted in ClinVar's aggregate classification.